The following is an entry in ClinVar:

ClinVar aggregate classification (germline): not provided (0 of 4 stars; one submission).

Conditions:
Familial long QT syndrome (RWS). Also called: Congenital long QT syndrome; Romano-Ward syndrome; VENTRICULAR FIBRILLATION WITH PROLONGED QT INTERVAL. Identifiers: Orphanet 768, MedGen C1141890, MONDO:0019171.

Submission:

Cardiovascular Biomedical Research Unit, Royal Brompton & Harefield NHS Foundation Trust
No classification provided. Condition: Familial long QT syndrome. Review status: no classification provided. Collection method: literature only. Allele origin: germline.
Comment: This variant has been reported as associated with Long QT syndrome in the following publications (PMID:20851114). This is a literature report, and does not necessarily reflect the clinical interpretation of the Imperial College / Royal Brompton Cardiovascular Genetics laboratory.

Literature cited by the submitters: PubMed 20851114; PubMed 22581653.

NM_000238.4(KCNH2):c.1A>T (p.Met1Leu)

Gene: KCNH2 (potassium voltage-gated channel subfamily H member 2; minus strand). Cytogenetic location: 7q36.1.
Variant type: single nucleotide variant.
Coding change: c.1A>T on transcript NM_000238.4 (MANE Select); coding-DNA position 1, A replaced by T.
Protein change: p.Met1Leu; changes the start codon (methionine 1).
Molecular consequence: missense variant, initiator codon variant.
Genome position (GRCh38, 1-based): chr7:150,977,913, T>A on the plus strand (A>T on the coding strand, the complement: KCNH2 is on the minus strand). VCF-style: chr7-150977913-T-A. GRCh37 (hg19) VCF-style: chr7-150675001-T-A.
Other names: c.1A>T (LRG_288t1); c.1A>T, p.Met1Leu (NM_172056.3); short protein forms M1L.
Identifiers: ClinVar variation 67354 (VCV000067354.4), dbSNP rs199473036, ClinGen allele CA006152.